The following is an entry in ClinVar:

NM_014587.5(SOX8):c.813C>T (p.Ser271=)

Gene: SOX8 (SRY-box transcription factor 8; plus strand). Cytogenetic location: 16p13.3.
Variant type: single nucleotide variant.
Coding change: c.813C>T on transcript NM_014587.5 (MANE Select); coding-DNA position 813, C replaced by T.
Protein change: p.Ser271=; no amino-acid change (serine 271 retained).
Molecular consequence: synonymous variant.
Genome position (GRCh38, 1-based): chr16:984,858, C>T. VCF-style: chr16-984858-C-T. GRCh37 (hg19) VCF-style: chr16-1034858-C-T.
Other names: c.813C>T (NM_014587.4).
Identifiers: ClinVar variation 2645872 (VCV002645872.25), dbSNP rs138803573, ClinGen allele CA7798247.

ClinVar aggregate classification (germline): Likely benign. Review status: criteria provided, single submitter (1 of 4 stars). 2 submissions from 2 submitters: Likely benign (1). 1 of the submissions does not count toward it. Last evaluated 2025-04-01.

Conditions:
SOX8-related disorder. Also called: SOX8-related condition.

Allele frequency attached by ClinVar (database versions not stated): 1000 Genomes Project 0.00100; 1000 Genomes Project 30x 0.00141; ExAC 0.00234; ESP Exome Variant Server 0.00323.

Submissions (2):

CeGaT Center for Human Genetics Tuebingen
Classification: Likely benign. Last evaluated: 2025-04-01. Review status: criteria provided, single submitter. Criteria: CeGaT Center For Human Genetics Tuebingen Variant Classification Criteria Version 2. Collection method: clinical testing. Allele origin: germline. Affected: yes. Observed: 2 variant alleles.
Comment: SOX8: BP4, BP7

PreventionGenetics, part of Exact Sciences
Classification: Likely benign for SOX8-related condition. Last evaluated: 2019-05-27. Review status: no assertion criteria provided. Collection method: clinical testing. Allele origin: germline. Not counted in ClinVar's aggregate classification.
Comment: This variant is classified as likely benign based on ACMG/AMP sequence variant interpretation guidelines (Richards et al. 2015 PMID: 25741868, with internal and published modifications).